The following is an entry in ClinVar:

ClinVar aggregate classification (germline): Uncertain significance (1 of 4 stars; one submission).

Allele frequency attached by ClinVar (database versions not stated): gnomAD 0.00001; gnomAD exomes 0.00001; TOPMed 0.00007.
gnomAD v4.1: 10 of 1,614,004 alleles (0.00062%); highest among the groups gnomAD compares: East Asian, 0.0045%; no homozygotes.

Submission:

Labcorp Genetics (formerly Invitae), Labcorp
Classification: Uncertain significance. Last evaluated: 2022-09-30. Review status: criteria provided, single submitter. Criteria: Invitae Variant Classification Sherloc (09022015). Collection method: clinical testing. Allele origin: germline.
Comment: This sequence change replaces arginine, which is basic and polar, with glutamine, which is neutral and polar, at codon 483 of the ANK3 protein (p.Arg483Gln). This variant is not present in population databases (gnomAD no frequency). This variant has not been reported in the literature in individuals affected with ANK3-related conditions. ClinVar contains an entry for this variant (Variation ID: 1356133). Algorithms developed to predict the effect of missense changes on protein structure and function are either unavailable or do not agree on the potential impact of this missense change (SIFT: "Not Available"; PolyPhen-2: "Probably Damaging"; Align-GVGD: "Not Available"). In summary, the available evidence is currently insufficient to determine the role of this variant in disease. Therefore, it has been classified as a Variant of Uncertain Significance.

NM_020987.5(ANK3):c.1448G>A (p.Arg483Gln)

Gene: ANK3 (ankyrin 3; minus strand). Cytogenetic location: 10q21.2.
Variant type: single nucleotide variant.
Coding change: c.1448G>A on transcript NM_020987.5 (MANE Select); coding-DNA position 1448, G replaced by A.
Protein change: p.Arg483Gln; replaces arginine 483 with glutamine.
Molecular consequence: missense variant.
Genome position (GRCh38, 1-based): chr10:60,200,172, C>T on the plus strand (G>A on the coding strand, the complement: ANK3 is on the minus strand). VCF-style: chr10-60200172-C-T. GRCh37 (hg19) VCF-style: chr10-61959930-C-T.
Other names: c.1430G>A, p.Arg477Gln (NM_001204403.2); c.1397G>A, p.Arg466Gln (NM_001204404.2); c.1448G>A, p.Arg483Gln (NM_001320874.2); short protein forms R466Q, R477Q, R483Q.
Identifiers: ClinVar variation 1356133 (VCV001356133.3), dbSNP rs1371476805, ClinGen allele CA376990281.